The following is an entry in ClinVar:

ClinVar aggregate classification (germline): Uncertain significance (1 of 4 stars; one submission).

Conditions:
Luscan-Lumish syndrome. Identifiers: Orphanet 597738, MedGen C4085873, MONDO:0014791, OMIM 616831.

Submission:

Labcorp Genetics (formerly Invitae), Labcorp
Classification: Uncertain significance for Luscan-Lumish syndrome. Last evaluated: 2022-07-28. Review status: criteria provided, single submitter. Criteria: Invitae Variant Classification Sherloc (09022015). Collection method: clinical testing. Allele origin: germline.
Comment: This sequence change replaces glutamic acid, which is acidic and polar, with leucine, which is neutral and non-polar, at codon 1935 of the SETD2 protein (p.Glu1935Leu). Information on the frequency of this variant in the gnomAD database is not available, as this variant may be reported differently in the database. This variant has not been reported in the literature in individuals affected with SETD2-related conditions. Algorithms developed to predict the effect of missense changes on protein structure and function are either unavailable or do not agree on the potential impact of this missense change (SIFT: "Not Available"; PolyPhen-2: "Possibly Damaging"; Align-GVGD: "Not Available"). In summary, the available evidence is currently insufficient to determine the role of this variant in disease. Therefore, it has been classified as a Variant of Uncertain Significance.

NM_014159.7(SETD2):c.5803_5804delinsCT (p.Glu1935Leu)

Gene: SETD2 (SET domain containing 2, histone lysine methyltransferase; minus strand). Cytogenetic location: 3p21.31.
Variant type: Indel.
Coding change: c.5803_5804delinsCT on transcript NM_014159.7 (MANE Select); coding-DNA positions 5803 to 5804, GA replaced by CT.
Protein change: p.Glu1935Leu; replaces glutamic acid 1935 with leucine.
Molecular consequence: missense variant. On other transcripts: non-coding transcript variant (1).
Genome position (GRCh38, 1-based): chr3:47,083,976-47,083,977, TC replaced by AG on the plus strand (GA replaced by CT on the coding strand, the reverse complement: SETD2 is on the minus strand). VCF-style: chr3-47083976-TC-AG. GRCh37 (hg19) VCF-style: chr3-47125466-TC-AG.
Other names: c.5671_5672delinsCT, p.Glu1891Leu (NM_001349370.3); short protein forms E1891L, E1935L.
Identifiers: ClinVar variation 1713492 (VCV001713492.5), dbSNP rs2545517443, ClinGen allele CA2580069877.
Genomic context (GRCh38, chr3:47,083,976, plus strand): 5'-TCTGGTTCAGATGTAGGTAGCTTACTAGCTTCTATGTTGGTTTCACTATCAACTTTGCAT[TC>AG]AGGCAGCTGTTGTGGGAGTAGCTGTTGTGACTGCAATTCTTCCTCTTCCTCTACAGGGAC-3'
Protein context (NP_054878.5, residues 1925-1945): SQQLLPQQLP[Glu1935Leu]CKVDSETNIE